The following is an entry in ClinVar:

ClinVar aggregate classification (germline): Likely benign (0 of 4 stars; one submission).

Conditions:
ARSF-related disorder. Also called: ARSF-related condition.

Allele frequency attached by ClinVar (database versions not stated): 1000 Genomes Project 30x 0.00146; 1000 Genomes Project 0.00159; TOPMed 0.00214; ExAC 0.00237; gnomAD 0.00254; ESP Exome Variant Server 0.00322; gnomAD exomes 0.00400.

Submission:

PreventionGenetics, part of Exact Sciences
Classification: Likely benign for ARSF-related condition. Last evaluated: 2022-04-06. Review status: no assertion criteria provided. Collection method: clinical testing. Allele origin: germline.
Comment: This variant is classified as likely benign based on ACMG/AMP sequence variant interpretation guidelines (Richards et al. 2015 PMID: 25741868, with internal and published modifications).

NM_001201539.2(ARSF):c.535C>T (p.Arg179Cys)

Gene: ARSF (arylsulfatase F; plus strand). Cytogenetic location: Xp22.33.
Variant type: single nucleotide variant.
Coding change: c.535C>T on transcript NM_001201539.2 (MANE Select); coding-DNA position 535, C replaced by T.
Protein change: p.Arg179Cys; replaces arginine 179 with cysteine.
Molecular consequence: missense variant.
Genome position (GRCh38, 1-based): chrX:3,084,371, C>T. VCF-style: chrX-3084371-C-T. GRCh37 (hg19) VCF-style: chrX-3002412-C-T.
Other names: c.535C>T, p.Arg179Cys (NM_001201538.2, NM_004042.5); short protein forms R179C.
Identifiers: ClinVar variation 3041701 (VCV003041701.2), dbSNP rs146302062, ClinGen allele CA10338905.